The following is an entry in ClinVar:

NM_001999.4(FBN2):c.5675-9C>T

Gene: FBN2 (fibrillin 2; minus strand). Cytogenetic location: 5q23.3.
Variant type: single nucleotide variant.
Coding change: c.5675-9C>T on transcript NM_001999.4 (MANE Select); 9 bases into the intron before coding-DNA position 5675, C replaced by T.
Molecular consequence: intron variant.
Genome position (GRCh38, 1-based): chr5:128,305,091, G>A on the plus strand (C>T on the coding strand, the complement: FBN2 is on the minus strand). VCF-style: chr5-128305091-G-A. GRCh37 (hg19) VCF-style: chr5-127640783-G-A.
Other names: p.?.
Identifiers: ClinVar variation 129043 (VCV000129043.41), dbSNP rs27713, ClinGen allele CA288826.
Genomic context (GRCh38, chr5:128,305,091, plus strand): 5'-ACACACAAGCCATGACTGCAAACGTTAGGAATTTCTAAACATTCATTGCGATCTAAAACA[G>A]AAAAAAATAAATGTTACATGTATCTGATTTTTATTAAGATTTCTTCATTTTTCACAGTTG-3'

ClinVar aggregate classification (germline): Benign. Review status: criteria provided, multiple submitters, no conflicts (2 of 4 stars). 17 submissions from 16 submitters: Benign (13). 4 of the submissions do not count toward it. Last evaluated 2026-02-04.

Conditions:
Familial thoracic aortic aneurysm and aortic dissection (TAAD). Also called: Thoracic aortic aneurysms and dissections. Identifiers: Orphanet 91387, MedGen C4707243, MONDO:0019625.
Congenital contractural arachnodactyly (CCA). Also called: Arthrogryposis, distal, type 9; Beals-Hecht syndrome; BEALS SYNDROME. Identifiers: Orphanet 115, MedGen C0220668, MONDO:0007363, OMIM 121050.
Macular degeneration, early-onset (EOMD). Identifiers: MedGen C4015286, MONDO:0014501, OMIM 616118.

Allele frequency attached by ClinVar (database versions not stated): TOPMed 0.65135; gnomAD 0.68788 and 0.69386; gnomAD exomes 0.70784; ExAC 0.72584; 1000 Genomes Project 0.73442.
gnomAD v4.1: 1,096,931 of 1,572,472 alleles (70%); highest among the groups gnomAD compares: East Asian, 86%; 381,980 homozygotes.

Submissions (17):

Labcorp Genetics (formerly Invitae), Labcorp
Classification: Benign for Congenital contractural arachnodactyly. Last evaluated: 2026-02-04. Review status: criteria provided, single submitter. Criteria: Invitae Variant Classification Sherloc (09022015). Collection method: clinical testing. Allele origin: germline.

ARUP Laboratories, Molecular Genetics and Genomics, ARUP Laboratories
Classification: Benign. Last evaluated: 2025-07-29. Review status: criteria provided, single submitter. Criteria: ARUP Molecular Germline Variant Investigation Process 2024. Collection method: clinical testing. Allele origin: germline.

Blueprint Genetics
Classification: Benign. Last evaluated: 2024-11-26. Review status: criteria provided, single submitter. Criteria: ACMG Guidelines, 2015. Collection method: clinical testing. Allele origin: germline.

Women's Health and Genetics/Laboratory Corporation of America, LabCorp
Classification: Benign. Last evaluated: 2023-04-04. Review status: criteria provided, single submitter. Criteria: LabCorp Variant Classification Summary - May 2015. Collection method: clinical testing. Allele origin: germline.

Genome-Nilou Lab
Classification: Benign for Congenital contractural arachnodactyly. Last evaluated: 2021-08-10. Review status: criteria provided, single submitter. Criteria: ACMG Guidelines, 2015. Collection method: clinical testing. Allele origin: germline. Affected: no.

Genome-Nilou Lab
Classification: Benign for Macular degeneration, early-onset. Last evaluated: 2021-08-10. Review status: criteria provided, single submitter. Criteria: ACMG Guidelines, 2015. Collection method: clinical testing. Allele origin: germline. Affected: no.

Illumina Laboratory Services, Illumina
Classification: Benign for Congenital contractural arachnodactyly. Last evaluated: 2018-01-12. Review status: criteria provided, single submitter. Criteria: ICSL Variant Classification Criteria 13 December 2019. Collection method: clinical testing. Allele origin: germline.
Comment: This variant was observed in the ICSL laboratory as part of a predisposition screen in an ostensibly healthy population. It had not been previously curated by ICSL or reported in the Human Gene Mutation Database (HGMD: prior to June 1st, 2018), and was therefore a candidate for classification through an automated scoring system. Utilizing variant allele frequency, disease prevalence and penetrance estimates, and inheritance mode, an automated score was calculated to assess if this variant is too frequent to cause the disease. Based on the score and internal cut-off values, a variant classified as benign is not then subjected to further curation. The score for this variant resulted in a classification of benign for this disease.

Genome Diagnostics Laboratory, University Medical Center Utrecht
Classification: Benign for Congenital contractural arachnodactyly. Last evaluated: 2017-07-28. Review status: criteria provided, single submitter. Criteria: ACGS Guidelines, 2013. Collection method: clinical testing. Allele origin: germline. Affected: yes. Study: VKGL Data-share Consensus.

Ambry Genetics
Classification: Benign for Familial thoracic aortic aneurysm and aortic dissection. Last evaluated: 2016-08-15. Review status: criteria provided, single submitter. Criteria: Ambry Variant Classification Scheme 2023. Collection method: clinical testing. Allele origin: germline.

Mayo Clinic Laboratories, Mayo Clinic
Classification: Benign. Last evaluated: 2014-01-31. Review status: criteria provided, single submitter. Criteria: ACMG Guidelines, 2015. Collection method: clinical testing. Allele origin: germline. Observed: 1,319 variant alleles.

Laboratory for Molecular Medicine, Mass General Brigham Personalized Medicine
Classification: Benign. Last evaluated: 2013-04-04. Review status: criteria provided, single submitter. Criteria: LMM Criteria. Collection method: clinical testing. Allele origin: germline. Observed: 16 variant alleles.
Comment: 5675-9C>T in intron 44 of FBN2: This variant is not expected to have clinical si gnificance because it has been identified in 86.5% (173/200) of Han Chinese chro mosomes from a broad population by the 1000 Genomes Project (.; dbSNP rs60746914).

GeneDx
Classification: Benign. Last evaluated: 2012-11-02. Review status: criteria provided, single submitter. Criteria: GeneDx Variant Classification (06012015). Collection method: clinical testing. Allele origin: germline. Affected: yes.
Comment: This variant is considered likely benign or benign based on one or more of the following criteria: it is a conservative change, it occurs at a poorly conserved position in the protein, it is predicted to be benign by multiple in silico algorithms, and/or has population frequency not consistent with disease.

PreventionGenetics, part of Exact Sciences
Classification: Benign. Review status: criteria provided, single submitter. Criteria: ACMG Guidelines, 2015. Collection method: clinical testing. Allele origin: germline.

Genome Diagnostics Laboratory, Amsterdam University Medical Center
Classification: Benign for Congenital contractural arachnodactyly. Last evaluated: 2014-02-04. Review status: no assertion criteria provided. Criteria: ACGS Guidelines, 2013. Collection method: clinical testing. Allele origin: germline. Affected: yes. Study: VKGL Data-share Consensus. Not counted in ClinVar's aggregate classification.

Clinical Genetics DNA and cytogenetics Diagnostics Lab, Erasmus MC, Erasmus Medical Center
Classification: Benign. Review status: no assertion criteria provided. Collection method: clinical testing. Allele origin: germline. Affected: yes. Study: VKGL Data-share Consensus. Not counted in ClinVar's aggregate classification.

Diagnostic Laboratory, Department of Genetics, University Medical Center Groningen
Classification: Benign for Congenital contractural arachnodactyly. Review status: no assertion criteria provided. Collection method: clinical testing. Allele origin: germline. Affected: yes. Study: VKGL Data-share Consensus. Not counted in ClinVar's aggregate classification.

Genetic Services Laboratory, University of Chicago
Classification: Likely benign for AllHighlyPenetrant. Review status: no assertion criteria provided. Collection method: clinical testing. Allele origin: germline. Inheritance: Autosomal dominant inheritance. Not counted in ClinVar's aggregate classification.
Comment: Likely benign based on allele frequency in 1000 Genomes Project or ESP global frequency and its presence in a patient with a rare or unrelated disease phenotype. NOT Sanger confirmed.